The following is an entry in ClinVar:

ClinVar aggregate classification (germline): Uncertain significance. Review status: criteria provided, multiple submitters, no conflicts (2 of 4 stars). 2 submissions from 2 submitters: Uncertain significance (2). Last evaluated 2025-04-11.

Conditions:
Inborn genetic diseases. Identifiers: MedGen C0950123, MeSH D030342.

Allele frequency attached by ClinVar (database versions not stated): TOPMed 0.00002.
gnomAD v4.1: 41 of 1,211,613 alleles (0.0034%); highest among the groups gnomAD compares: Non-Finnish European, 0.0038%; no homozygotes.

Submissions (2):

Ambry Genetics
Classification: Uncertain significance for Inborn genetic diseases. Last evaluated: 2025-04-11. Review status: criteria provided, single submitter. Criteria: Ambry Variant Classification Scheme 2023. Collection method: clinical testing. Allele origin: germline.

Labcorp Genetics (formerly Invitae), Labcorp
Classification: Uncertain significance. Last evaluated: 2022-12-26. Review status: criteria provided, single submitter. Criteria: Invitae Variant Classification Sherloc (09022015). Collection method: clinical testing. Allele origin: germline.
Comment: In summary, the available evidence is currently insufficient to determine the role of this variant in disease. Therefore, it has been classified as a Variant of Uncertain Significance. Algorithms developed to predict the effect of missense changes on protein structure and function are either unavailable or do not agree on the potential impact of this missense change (SIFT: "Deleterious"; PolyPhen-2: "Possibly Damaging"; Align-GVGD: "Class C0"). This variant has not been reported in the literature in individuals affected with NDUFB11-related conditions. This variant is present in population databases (rs782327477, gnomAD 0.004%). This sequence change replaces isoleucine, which is neutral and non-polar, with methionine, which is neutral and non-polar, at codon 146 of the NDUFB11 protein (p.Ile146Met).

NM_001135998.3(NDUFB11):c.408C>G (p.Ile136Met)

Gene: NDUFB11 (NADH:ubiquinone oxidoreductase subunit B11; minus strand). Cytogenetic location: Xp11.3.
Variant type: single nucleotide variant.
Coding change: c.408C>G on transcript NM_001135998.3 (MANE Select); coding-DNA position 408, C replaced by G.
Protein change: p.Ile136Met; replaces isoleucine 136 with methionine.
Molecular consequence: missense variant.
Genome position (GRCh38, 1-based): chrX:47,142,371, G>C on the plus strand (C>G on the coding strand, the complement: NDUFB11 is on the minus strand). VCF-style: chrX-47142371-G-C. GRCh37 (hg19) VCF-style: chrX-47001770-G-C.
Other names: c.438C>G (NM_019056.5); c.438C>G, p.Ile146Met (NM_019056.7); short protein forms I136M, I146M.
Identifiers: ClinVar variation 2718165 (VCV002718165.4), dbSNP rs782327477, ClinGen allele CA10394879.
Genomic context (GRCh38, chrX:47,142,371, plus strand): 5'-AACTGGTCACTCATCCTCTGGCAGCTGGATCTTGCTGGGGTCGAAGCAGTTGGATTCCAT[G>C]ATGGGAAGGCCATTGGCCTCTCGGTATTTCACAAGCCTCTCAGCTTCGCGGCGGGACCAC-3'
Protein context (NP_001129470.1, residues 126-146): VKYREANGLP[Ile136Met]MESNCFDPSK